The following is an entry in ClinVar:

NM_001256007.3(PNPLA8):c.821C>T (p.Ala274Val)

Gene: PNPLA8 (patatin like domain 8, phospholipase A2; minus strand). Cytogenetic location: 7q31.1.
Variant type: single nucleotide variant.
Coding change: c.821C>T on transcript NM_001256007.3 (MANE Select); coding-DNA position 821, C replaced by T.
Protein change: p.Ala274Val; replaces alanine 274 with valine.
Molecular consequence: missense variant.
Genome position (GRCh38, 1-based): chr7:108,514,671, G>A on the plus strand (C>T on the coding strand, the complement: PNPLA8 is on the minus strand). VCF-style: chr7-108514671-G-A. GRCh37 (hg19) VCF-style: chr7-108155115-G-A.
Other names: c.821C>T, p.Ala274Val (NM_001256008.3, NM_001256009.3, NM_015723.5); c.521C>T, p.Ala174Val (NM_001256010.3, NM_001256011.3); c.821C>T (NM_015723.2); short protein forms A174V, A274V.
Identifiers: ClinVar variation 1955506 (VCV001955506.6), dbSNP rs942694872, ClinGen allele CA164320661.

ClinVar aggregate classification (germline): Uncertain significance. Review status: criteria provided, multiple submitters, no conflicts (2 of 4 stars). 2 submissions from 2 submitters: Uncertain significance (2). Last evaluated 2024-10-16.

Conditions:
Inborn genetic diseases. Identifiers: MedGen C0950123, MeSH D030342.

Allele frequency attached by ClinVar (database versions not stated): gnomAD 0.00001; gnomAD exomes 0.00001; TOPMed 0.00003.
gnomAD v4.1: 15 of 1,613,534 alleles (0.00093%); highest among the groups gnomAD compares: African/African-American, 0.0013%; no homozygotes.

Submissions (2):

Labcorp Genetics (formerly Invitae), Labcorp
Classification: Uncertain significance. Last evaluated: 2024-10-16. Review status: criteria provided, single submitter. Criteria: Invitae Variant Classification Sherloc (09022015). Collection method: clinical testing. Allele origin: germline.
Comment: This sequence change replaces alanine, which is neutral and non-polar, with valine, which is neutral and non-polar, at codon 274 of the PNPLA8 protein (p.Ala274Val). This variant is present in population databases (no rsID available, gnomAD 0.002%). This variant has not been reported in the literature in individuals affected with PNPLA8-related conditions. ClinVar contains an entry for this variant (Variation ID: 1955506). An algorithm developed to predict the effect of missense changes on protein structure and function (PolyPhen-2) suggests that this variant is likely to be tolerated. In summary, the available evidence is currently insufficient to determine the role of this variant in disease. Therefore, it has been classified as a Variant of Uncertain Significance.

Ambry Genetics
Classification: Uncertain significance for Inborn genetic diseases. Last evaluated: 2024-06-05. Review status: criteria provided, single submitter. Criteria: Ambry Variant Classification Scheme 2023. Collection method: clinical testing. Allele origin: germline.